The following is an entry in ClinVar:

NM_001297.5(CNGB1):c.1373-5C>T

Gene: CNGB1 (cyclic nucleotide gated channel subunit beta 1; minus strand). Cytogenetic location: 16q21.
Variant type: single nucleotide variant.
Coding change: c.1373-5C>T on transcript NM_001297.5 (MANE Select); 5 bases into the intron before coding-DNA position 1373, C replaced by T.
Molecular consequence: intron variant.
Genome position (GRCh38, 1-based): chr16:57,931,883, G>A on the plus strand (C>T on the coding strand, the complement: CNGB1 is on the minus strand). VCF-style: chr16-57931883-G-A. GRCh37 (hg19) VCF-style: chr16-57965787-G-A.
Other names: c.1355-5C>T (NM_001286130.2); c.1373-5C>T (NM_001297.4).
Identifiers: ClinVar variation 1091529 (VCV001091529.11), dbSNP rs777877102, ClinGen allele CA8083443.

ClinVar aggregate classification (germline): Likely benign. Review status: criteria provided, multiple submitters, no conflicts (2 of 4 stars). 3 submissions from 3 submitters: Likely benign (3). Last evaluated 2026-09-02.

Conditions:
CNGB1-related disorder. Also called: CNGB1-related condition.

Allele frequency attached by ClinVar (database versions not stated): gnomAD 0.00001; TOPMed 0.00001; gnomAD exomes 0.00003 and 0.00009; ExAC 0.00012.
gnomAD v4.1: 50 of 1,613,866 alleles (0.0031%); highest among the groups gnomAD compares: Admixed American, 0.032%; 1 homozygote.

Submissions (3):

PreventionGenetics, part of Exact Sciences
Classification: Likely benign for CNGB1-related condition. Last evaluated: 2026-09-02. Review status: criteria provided, single submitter. Criteria: ACMG Guidelines, 2015. Collection method: clinical testing. Allele origin: germline.
Comment: This variant is classified as likely benign based on ACMG/AMP sequence variant interpretation guidelines (Richards et al. 2015 PMID: 25741868, with internal and published modifications).

Labcorp Genetics (formerly Invitae), Labcorp
Classification: Likely benign. Last evaluated: 2026-01-16. Review status: criteria provided, single submitter. Criteria: Invitae Variant Classification Sherloc (09022015). Collection method: clinical testing. Allele origin: germline.

Blueprint Genetics
Classification: Likely benign. Last evaluated: 2022-06-20. Review status: criteria provided, single submitter. Criteria: ACMG Guidelines, 2015. Collection method: clinical testing. Allele origin: germline.